The following is an entry in ClinVar:

ClinVar aggregate classification (germline): Uncertain significance. Review status: criteria provided, multiple submitters, no conflicts (2 of 4 stars). 2 submissions from 2 submitters: Uncertain significance (2). Last evaluated 2026-01-14.

Allele frequency attached by ClinVar (database versions not stated): gnomAD 0.00011 and 0.00013; ESP Exome Variant Server 0.00015; TOPMed 0.00019.
gnomAD v4.1: 49 of 1,612,632 alleles (0.003%); highest among the groups gnomAD compares: African/African-American, 0.052%; no homozygotes.

Submissions (2):

Labcorp Genetics (formerly Invitae), Labcorp
Classification: Uncertain significance. Last evaluated: 2026-01-14. Review status: criteria provided, single submitter. Criteria: Invitae Variant Classification Sherloc (09022015). Collection method: clinical testing. Allele origin: germline.
Comment: This sequence change replaces glycine, which is neutral and non-polar, with tryptophan, which is neutral and slightly polar, at codon 513 of the MKL1 protein (p.Gly513Trp). This variant is present in population databases (rs149929991, gnomAD 0.03%). This variant has not been reported in the literature in individuals affected with MKL1-related conditions. ClinVar contains an entry for this variant (Variation ID: 1037006). An algorithm developed to predict the effect of missense changes on protein structure and function (PolyPhen-2) suggests that this variant is likely to be disruptive. In summary, the available evidence is currently insufficient to determine the role of this variant in disease. Therefore, it has been classified as a Variant of Uncertain Significance.

Ambry Genetics
Classification: Uncertain significance. Last evaluated: 2024-05-20. Review status: criteria provided, single submitter. Criteria: Ambry Variant Classification Scheme 2023. Collection method: clinical testing. Allele origin: germline.

NM_020831.6(MRTFA):c.1837G>T (p.Gly613Trp)

Gene: MRTFA (myocardin related transcription factor A; minus strand). Cytogenetic location: 22q13.1.
Variant type: single nucleotide variant.
Coding change: c.1837G>T on transcript NM_020831.6 (MANE Select); coding-DNA position 1837, G replaced by T.
Protein change: p.Gly613Trp; replaces glycine 613 with tryptophan.
Molecular consequence: missense variant.
Genome position (GRCh38, 1-based): chr22:40,418,901, C>A on the plus strand (G>T on the coding strand, the complement: MRTFA is on the minus strand). VCF-style: chr22-40418901-C-A. GRCh37 (hg19) VCF-style: chr22-40814905-C-A.
Other names: c.1537G>T, p.Gly513Trp (NM_001282660.2); c.1687G>T, p.Gly563Trp (NM_001282661.3); c.1837G>T, p.Gly613Trp (NM_001282662.3); c.1642G>T, p.Gly548Trp (NM_001318139.2); c.1537G>T (NM_020831.3); short protein forms G548W, G513W, G613W, G563W.
Identifiers: ClinVar variation 1037006 (VCV001037006.7), dbSNP rs149929991, ClinGen allele CA10249527.